The following is an entry in ClinVar:

NM_004380.3(CREBBP):c.2927C>A (p.Ser976Tyr)

Gene: CREBBP (CREB binding lysine acetyltransferase; minus strand). Cytogenetic location: 16p13.3.
Variant type: single nucleotide variant.
Coding change: c.2927C>A on transcript NM_004380.3 (MANE Select); coding-DNA position 2927, C replaced by A.
Protein change: p.Ser976Tyr; replaces serine 976 with tyrosine.
Molecular consequence: missense variant.
Genome position (GRCh38, 1-based): chr16:3,769,307, G>T on the plus strand (C>A on the coding strand, the complement: CREBBP is on the minus strand). VCF-style: chr16-3769307-G-T. GRCh37 (hg19) VCF-style: chr16-3819308-G-T.
Other names: c.2813C>A, p.Ser938Tyr (NM_001079846.1); short protein forms S976Y, S938Y.
Identifiers: ClinVar variation 4987191 (VCV004987191.1).

ClinVar aggregate classification (germline): Uncertain significance (1 of 4 stars; one submission).

Conditions:
CREBBP-related disorder. Also called: CREBBP-related disorders; CREBBP-related condition.

Submission:

PreventionGenetics, part of Exact Sciences
Classification: Uncertain significance for CREBBP-related condition. Last evaluated: 2024-12-06. Review status: criteria provided, single submitter. Criteria: ACMG Guidelines, 2015. Collection method: clinical testing. Allele origin: germline.
Comment: The CREBBP c.2927C>A variant is predicted to result in the amino acid substitution p.Ser976Tyr. To our knowledge, this variant has not been reported in the literature or in a large population database (gnomAD), indicating this variant is rare. At this time, the clinical significance of this variant is uncertain due to the absence of conclusive functional and genetic evidence.